The following is an entry in ClinVar:

NM_001009615.3(SPANXN2):c.501A>G (p.Leu167=)

Gene: SPANXN2 (SPANX family member N2; minus strand). Cytogenetic location: Xq27.3.
Variant type: single nucleotide variant.
Coding change: c.501A>G on transcript NM_001009615.3 (MANE Select); coding-DNA position 501, A replaced by G.
Protein change: p.Leu167=; no amino-acid change (leucine 167 retained).
Molecular consequence: synonymous variant.
Genome position (GRCh38, 1-based): chrX:143,712,077, T>C on the plus strand (A>G on the coding strand, the complement: SPANXN2 is on the minus strand). VCF-style: chrX-143712077-T-C. GRCh37 (hg19) VCF-style: chrX-142795177-T-C.
Identifiers: ClinVar variation 2661579 (VCV002661579.24), dbSNP rs145743231, ClinGen allele CA10534709.

ClinVar aggregate classification (germline): Likely benign (1 of 4 stars; one submission).

Allele frequency attached by ClinVar (database versions not stated): gnomAD exomes 0.00008; gnomAD 0.00009; ExAC 0.00017.
gnomAD v4.1: 102 of 1,210,072 alleles (0.0084%); highest among the groups gnomAD compares: Non-Finnish European, 0.011%; no homozygotes.

Submission:

CeGaT Center for Human Genetics Tuebingen
Classification: Likely benign. Last evaluated: 2022-08-01. Review status: criteria provided, single submitter. Criteria: CeGaT Center For Human Genetics Tuebingen Variant Classification Criteria Version 2. Collection method: clinical testing. Allele origin: germline. Affected: yes. Observed: 1 variant allele.
Comment: SPANXN2: BP4, BP7